The following is an entry in ClinVar:

ClinVar aggregate classification (germline): Uncertain significance (1 of 4 stars; one submission).

Conditions:
Combined immunodeficiency due to DOCK8 deficiency (HIES2). Also called: DOCK8 Deficiency; HIES autosomal recessive; HYPER-IgE RECURRENT INFECTION SYNDROME 2, AUTOSOMAL RECESSIVE; HYPER-IgE SYNDROME 2, AUTOSOMAL RECESSIVE, WITH RECURRENT INFECTIONS; Hyper-IgE recurrent infection syndrome, autosomal recessive. Identifiers: Orphanet 217390, MedGen C4722305, MONDO:0009478, OMIM 243700.

Allele frequency attached by ClinVar (database versions not stated): ExAC 0.00001; gnomAD 0.00001; gnomAD exomes 0.00001; TOPMed 0.00001.
gnomAD v4.1: 11 of 1,614,004 alleles (0.00068%); highest among the groups gnomAD compares: Non-Finnish European, 0.00025%; no homozygotes.

Submission:

Labcorp Genetics (formerly Invitae), Labcorp
Classification: Uncertain significance for Combined immunodeficiency due to DOCK8 deficiency. Last evaluated: 2022-07-18. Review status: criteria provided, single submitter. Criteria: Invitae Variant Classification Sherloc (09022015). Collection method: clinical testing. Allele origin: germline.
Comment: This sequence change replaces leucine, which is neutral and non-polar, with valine, which is neutral and non-polar, at codon 497 of the DOCK8 protein (p.Leu497Val). This variant is present in population databases (rs747023578, gnomAD 0.02%). This variant has not been reported in the literature in individuals affected with DOCK8-related conditions. ClinVar contains an entry for this variant (Variation ID: 1045637). Algorithms developed to predict the effect of missense changes on protein structure and function (SIFT, PolyPhen-2, Align-GVGD) all suggest that this variant is likely to be tolerated. In summary, the available evidence is currently insufficient to determine the role of this variant in disease. Therefore, it has been classified as a Variant of Uncertain Significance.

NM_203447.4(DOCK8):c.1489T>G (p.Leu497Val)

Gene: DOCK8 (dedicator of cytokinesis 8; plus strand). Cytogenetic location: 9p24.3.
Variant type: single nucleotide variant.
Coding change: c.1489T>G on transcript NM_203447.4 (MANE Select); coding-DNA position 1489, T replaced by G.
Protein change: p.Leu497Val; replaces leucine 497 with valine.
Molecular consequence: missense variant.
Genome position (GRCh38, 1-based): chr9:339,072, T>G. VCF-style: chr9-339072-T-G. GRCh37 (hg19) VCF-style: chr9-339072-T-G.
Other names: c.1285T>G, p.Leu429Val (NM_001190458.2, NM_001193536.2); short protein forms L429V, L497V.
Identifiers: ClinVar variation 1045637 (VCV001045637.6), dbSNP rs747023578, ClinGen allele CA4957749.
Genomic context (GRCh38, chr9:339,072, plus strand): 5'-GATCGCCTTAGCGATGAAGACTTATTCAAGTTTTTAGCTGACTACAAAAGATCATCATCC[T>G]TACAGAGACGAGTCAAGTCAATTCCAGGTGTGAATGACTTATCTTTATCCTCTTTAGCTG-3'
Protein context (NP_982272.2, residues 487-507): FLADYKRSSS[Leu497Val]QRRVKSIPGL